The following is an entry in ClinVar:

ClinVar aggregate classification (germline): Uncertain significance (1 of 4 stars; one submission).

Submission:

GeneDx
Classification: Uncertain significance. Last evaluated: 2026-03-02. Review status: criteria provided, single submitter. Criteria: GeneDx Variant Classification Process June 2021. Collection method: clinical testing. Allele origin: germline.
Comment: Not observed at significant frequency in large population cohorts (gnomAD); In silico analysis supports that this missense variant has a deleterious effect on protein structure/function; Has not been previously published as pathogenic or benign to our knowledge

NM_001161352.2(KCNMA1):c.1844T>C (p.Phe615Ser)

Gene: KCNMA1 (potassium calcium-activated channel subfamily M alpha 1; minus strand). Cytogenetic location: 10q22.3.
Variant type: single nucleotide variant.
Coding change: c.1844T>C on transcript NM_001161352.2 (MANE Select); coding-DNA position 1844, T replaced by C.
Protein change: p.Phe615Ser; replaces phenylalanine 615 with serine.
Molecular consequence: missense variant.
Genome position (GRCh38, 1-based): chr10:77,039,543, A>G on the plus strand (T>C on the coding strand, the complement: KCNMA1 is on the minus strand). VCF-style: chr10-77039543-A-G. GRCh37 (hg19) VCF-style: chr10-78799301-A-G.
Other names: c.1844T>C, p.Phe615Ser (NM_001014797.3, NM_001161353.2, NM_001271519.2 and 9 more transcripts); c.1682T>C, p.Phe561Ser (NM_001271518.2); c.1304T>C, p.Phe435Ser (NM_001322838.2); c.1976T>C, p.Phe659Ser (NM_001437422.1); short protein forms F435S, F561S, F615S, F659S.
Identifiers: ClinVar variation 5009618 (VCV005009618.1).